The following is an entry in ClinVar:

ClinVar aggregate classification (germline): Pathogenic. Review status: criteria provided, multiple submitters, no conflicts (2 of 4 stars). 17 submissions from 17 submitters: Pathogenic (15). 2 of the submissions do not count toward it. Last evaluated 2026-01-13.

Conditions:
Nonsyndromic Oculocutaneous Albinism.
SKIN/HAIR/EYE PIGMENTATION 3, LIGHT/DARK SKIN (SHEP3). Also called: SKIN/HAIR/EYE PIGMENTATION 3, BLUE/GREEN EYE COLOR; SKIN/HAIR/EYE PIGMENTATION 3, FRECKLING; SKIN/HAIR/EYE PIGMENTATION, VARIATION IN, 3; EYE COLOR 1; EYE COLOR, GREEN/BLUE. Identifiers: MedGen C2677190, OMIM 601800.
Oculocutaneous albinism type 1B (OCA1B). Also called: YELLOW ALBINISM; ALBINISM, OCULOCUTANEOUS, TYPE IB; ALBINISM, YELLOW MUTANT TYPE. Identifiers: Orphanet 352731, Orphanet 352737, Orphanet 79434, MedGen C1847024, MONDO:0011749, OMIM 606952.
Oculocutaneous albinism type 1A (OCA1A). Also called: Albinism, oculocutaneous, type IA. Identifiers: Orphanet 352731, Orphanet 79431, MedGen C4551504, MONDO:0008745, OMIM 203100. Disease mechanism: loss of function.
Albinism or congenital nystagmus.
TYR-related disorder. Also called: TYR-related condition.
Abnormality of the skin. Identifiers: HP:0001478, MedGen C5848159.

Allele frequency attached by ClinVar (database versions not stated): gnomAD 0.00004 and 0.00005; gnomAD exomes 0.00004 and 0.00006; TOPMed 0.00004; ExAC 0.00005.
gnomAD v4.1: 90 of 1,611,522 alleles (0.0056%); highest among the groups gnomAD compares: Non-Finnish European, 0.0065%; no homozygotes.

Submissions (17):

PreventionGenetics, part of Exact Sciences
Classification: Pathogenic for TYR-related condition. Last evaluated: 2026-01-13. Review status: criteria provided, single submitter. Criteria: ACMG Guidelines, 2015. Collection method: clinical testing. Allele origin: germline.
Comment: The TYR c.1204C>T variant is predicted to result in premature protein termination (p.Arg402*). This variant has been reported many times in individuals with oculocutaneous albinism (see for examples: Gershoni-Baruch et al. 1994. PubMed ID: 8128955; Shahzad et al. 2017. PubMed ID: 28266639; Marti et al. 2017. PubMed ID: 28976636; Table S1, Wei et al. 2022. PubMed ID: 34838614). This variant is present in 0.0065% of alleles in individuals of South Asian descent in gnomAD. Nonsense variants in TYR are an established mechanism of disease. Given the evidence, we interpret this variant as pathogenic.

Labcorp Genetics (formerly Invitae), Labcorp
Classification: Pathogenic. Last evaluated: 2025-10-27. Review status: criteria provided, single submitter. Criteria: Invitae Variant Classification Sherloc (09022015). Collection method: clinical testing. Allele origin: germline.
Comment: This sequence change creates a premature translational stop signal (p.Arg402*) in the TYR gene. It is expected to result in an absent or disrupted protein product. Loss-of-function variants in TYR are known to be pathogenic (PMID: 23504663). This variant is present in population databases (rs62645917, gnomAD 0.006%). This premature translational stop signal has been observed in individual(s) with clinical features of oculocutaneous albinism (PMID: 29345414). ClinVar contains an entry for this variant (Variation ID: 99542). For these reasons, this variant has been classified as Pathogenic.

First Genomix Gene Laboratory, Genetic Diagnostics Department
Classification: Pathogenic for Oculocutaneous albinism type 1B; Oculocutaneous albinism type 1A. Last evaluated: 2025-09-18. Review status: criteria provided, single submitter. Criteria: ACMG Guidelines, 2015. Collection method: clinical testing. Allele origin: germline. Inheritance: Autosomal recessive inheritance. Affected: no. Observed: 1 variant allele.

Laboratory of Genetic Epidemiology, Research Centre for Medical Genetics
Classification: Pathogenic for Oculocutaneous albinism type 1A; Oculocutaneous albinism type 1B. Last evaluated: 2025-01-01. Review status: criteria provided, single submitter. Criteria: ACMG Guidelines, 2015. Collection method: clinical testing. Allele origin: maternal. Inheritance: Autosomal recessive inheritance. Affected: yes. Observed: 1 compound heterozygote.
Comment: The nonsense variant NM_000372.5:c.1204C>T, p.(Arg402Ter) was identified in a heterozygous state in four probands diagnosed with albinism. This variant has been previously reported in the literature multiple times (PMIDs: 8128955, 28976636, 37471664) and is listed in gnomAD v3.1.2 with allele frequency 0.00009 in Europe (1/10612). Taken together, the variant meets the following ACMG/AMP criteria and can be classified as pathogenic with PM2, PVS1, PM3, PP4 criteria.

Blueprint Genetics
Classification: Pathogenic for TYR-related disorders. Last evaluated: 2024-11-19. Review status: criteria provided, single submitter. Criteria: ACMG Guidelines, 2015. Collection method: clinical testing. Allele origin: germline. Affected: yes. Observed: 5 variant alleles.

NHS Central & South Genomic Laboratory Hub
Classification: Pathogenic for Albinism or congenital nystagmus. Last evaluated: 2024-11-11. Review status: criteria provided, single submitter. Criteria: ACMG Guidelines, 2015. Collection method: clinical testing. Allele origin: germline. Affected: yes.

Baylor Genetics
Classification: Pathogenic for SKIN/HAIR/EYE PIGMENTATION 3, LIGHT/DARK SKIN. Last evaluated: 2024-03-29. Review status: criteria provided, single submitter. Criteria: ACMG Guidelines, 2015. Collection method: clinical testing. Allele origin: unknown.

Fulgent Genetics
Classification: Pathogenic for Oculocutaneous albinism type 1A; SKIN/HAIR/EYE PIGMENTATION 3, LIGHT/DARK SKIN; Oculocutaneous albinism type 1B. Last evaluated: 2023-12-29. Review status: criteria provided, single submitter. Criteria: ACMG Guidelines, 2015. Collection method: clinical testing. Allele origin: germline.

CeGaT Center for Human Genetics Tuebingen
Classification: Pathogenic. Last evaluated: 2023-07-01. Review status: criteria provided, single submitter. Criteria: CeGaT Center For Human Genetics Tuebingen Variant Classification Criteria Version 2. Collection method: clinical testing. Allele origin: germline. Affected: yes. Observed: 3 variant alleles.
Comment: TYR: PVS1, PM3:Strong, PM2, PP4:Moderate

GeneDx
Classification: Pathogenic. Last evaluated: 2023-05-07. Review status: criteria provided, single submitter. Criteria: GeneDx Variant Classification Process June 2021. Collection method: clinical testing. Allele origin: germline. Affected: yes.
Comment: Nonsense variant predicted to result in protein truncation or nonsense mediated decay in a gene for which loss of function is a known mechanism of disease; This variant is associated with the following publications: (PMID: 25525159, 18326704, 8128955, 18463683, 29036293, 29437493, 29427439, 28976636, 34426522, 31589614, 28667292, 28266639, 35894802, 34838614, 33124154, 31077556)

Genome-Nilou Lab
Classification: Pathogenic for Oculocutaneous albinism type 1A. Last evaluated: 2021-07-22. Review status: criteria provided, single submitter. Criteria: ACMG Guidelines, 2015. Collection method: clinical testing. Allele origin: germline. Affected: no.

Kariminejad - Najmabadi Pathology & Genetics Center
Classification: Pathogenic for Abnormality of the skin. Last evaluated: 2021-07-10. Review status: criteria provided, single submitter. Criteria: ACMG Guidelines, 2015. Collection method: clinical testing. Allele origin: germline.

Eurofins Ntd Llc (ga)
Classification: Pathogenic. Last evaluated: 2017-09-21. Review status: criteria provided, single submitter. Criteria: EGL Classification Definitions 2015. Collection method: clinical testing. Allele origin: germline. Observed: 1 variant allele, 1 heterozygote.

Genetic Services Laboratory, University of Chicago
Classification: Pathogenic for Albinism, oculocutaneous, type IA. Last evaluated: 2015-07-27. Review status: criteria provided, single submitter. Criteria: ACMG Guidelines, 2015. Collection method: clinical testing. Allele origin: germline. Affected: yes.

Juno Genomics, Hangzhou Juno Genomics, Inc
Classification: Pathogenic for Oculocutaneous albinism type 1A; Oculocutaneous albinism type 1B. Review status: criteria provided, single submitter. Criteria: ACMG Guidelines, 2015. Collection method: clinical testing. Allele origin: germline.
Comment: Absent from controls (or at extremely low frequency if recessive) in Genome Aggregation Database.;Null variant in a gene where loss of function (LOF) is a known mechanism of disease.;For recessive disorders, detected in trans with a pathogenic variant.;Patient's phenotype or family history is highly specific for a disease with a single genetic etiology.

University of Washington Center for Mendelian Genomics, University of Washington
Classification: Likely pathogenic for Nonsyndromic Oculocutaneous Albinism. Last evaluated: 2017-03-07. Review status: no assertion criteria provided. Collection method: research. Allele origin: unknown. Affected: yes. Observed: 1 homozygote. Not counted in ClinVar's aggregate classification.

Retina International
No classification provided. Review status: no classification provided. Collection method: not provided. Allele origin: unknown. Not counted in ClinVar's aggregate classification.

Literature cited by the submitters: PubMed 23504663 (cited by Labcorp Genetics (formerly Invitae), Labcorp); PubMed 29345414 (cited by Labcorp Genetics (formerly Invitae), Labcorp); PubMed 8128955 (cited by Laboratory of Genetic Epidemiology, Research Centre for Medical Genetics); PubMed 28976636 (cited by Laboratory of Genetic Epidemiology, Research Centre for Medical Genetics); PubMed 37471664 (cited by Laboratory of Genetic Epidemiology, Research Centre for Medical Genetics); PubMed 41428507 (cited by Laboratory of Genetic Epidemiology, Research Centre for Medical Genetics); PubMed 28266639 (cited by University of Washington Center for Mendelian Genomics, University of Washington).

NM_000372.5(TYR):c.1204C>T (p.Arg402Ter)

Gene: TYR (tyrosinase; plus strand). Cytogenetic location: 11q14.3.
Variant type: single nucleotide variant.
Coding change: c.1204C>T on transcript NM_000372.5 (MANE Select); coding-DNA position 1204, C replaced by T.
Protein change: p.Arg402Ter; replaces arginine 402 with a stop codon.
Molecular consequence: nonsense.
Genome position (GRCh38, 1-based): chr11:89,284,792, C>T. VCF-style: chr11-89284792-C-T. GRCh37 (hg19) VCF-style: chr11-89017960-C-T.
Other names: short protein forms R402*.
Identifiers: ClinVar variation 99542 (VCV000099542.87), dbSNP rs62645917, ClinGen allele CA227514.